The following is an entry in ClinVar:

NM_002294.3(LAMP2):c.937A>C (p.Ile313Leu)

Gene: LAMP2 (lysosome associated membrane protein 2; minus strand). Cytogenetic location: Xq24.
Variant type: single nucleotide variant.
Coding change: c.937A>C on transcript NM_002294.3 (MANE Select); coding-DNA position 937, A replaced by C.
Protein change: p.Ile313Leu; replaces isoleucine 313 with leucine.
Molecular consequence: missense variant.
Genome position (GRCh38, 1-based): chrX:120,441,886, T>G on the plus strand (A>C on the coding strand, the complement: LAMP2 is on the minus strand). VCF-style: chrX-120441886-T-G. GRCh37 (hg19) VCF-style: chrX-119575741-T-G.
Other names: c.937A>C, p.Ile313Leu (NM_001122606.1, NM_013995.2); short protein forms I313L.
Identifiers: ClinVar variation 2689360 (VCV002689360.3), dbSNP rs1315624011, ClinGen allele CA414400231.

ClinVar aggregate classification (germline): Uncertain significance. Review status: criteria provided, multiple submitters, no conflicts (2 of 4 stars). 2 submissions from 2 submitters: Uncertain significance (2). Last evaluated 2026-08-12.

Conditions:
Danon disease. Also called: ANTOPOL DISEASE; PSEUDOGLYCOGENOSIS II; GSD IIb; LYSOSOMAL GLYCOGEN STORAGE DISEASE WITHOUT ACID MALTASE DEFICIENCY; Glycogen Storage Disease Type IIb. Identifiers: Orphanet 34587, MedGen C0878677, MONDO:0010281, OMIM 300257.
Cardiovascular phenotype. Identifiers: MedGen CN230736.

gnomAD v4.1: 1 of 1,209,043 alleles (0.000083%); highest among the groups gnomAD compares: South Asian, 0.0018%; no homozygotes.

Submissions (2):

Ambry Genetics
Classification: Uncertain significance for Cardiovascular phenotype. Last evaluated: 2026-08-12. Review status: criteria provided, single submitter. Criteria: Ambry Variant Classification Scheme 2023. Collection method: clinical testing. Allele origin: germline.
Comment: The c.937A>C (p.I313L) alteration is located in exon 8 (coding exon 8) of the LAMP2 gene. This alteration results from a A to C substitution at nucleotide position 937, causing the isoleucine (I) at amino acid position 313 to be replaced by a leucine (L). Based on data from gnomAD, the C allele has an overall frequency of <0.001% (1/183364) total alleles studied. The highest observed frequency was 0.005% (1/19064) of South Asian alleles. Based on insufficient or conflicting evidence, the clinical significance of this alteration remains unclear.

Revvity Omics, Revvity
Classification: Uncertain significance for Danon disease. Last evaluated: 2023-07-14. Review status: criteria provided, single submitter. Criteria: ACMG Guidelines, 2015. Collection method: clinical testing. Allele origin: germline.